The following is an entry in ClinVar:

NM_007227.3(GPR45):c.492del (p.Ser166fs)

Gene: GPR45 (G protein-coupled receptor 45; plus strand). Cytogenetic location: 2q12.1.
Variant type: Deletion.
Coding change: c.492del on transcript NM_007227.3 (MANE Select); coding-DNA position 492, one base deleted (G; older notation c.492delG).
Protein change: p.Ser166fs; shifts the reading frame from serine 166.
Molecular consequence: frameshift variant.
Genome position (GRCh38, 1-based): chr2:105,242,350, G deleted; the last of 4 consecutive G bases (chr2:105,242,347-105,242,350); deleting any one gives the same sequence. VCF-style (leftmost placement, unchanged base first): chr2-105242346-CG-C. GRCh37 (hg19) VCF-style: chr2-105858803-CG-C.
Other names: short protein forms S166fs.
Identifiers: ClinVar variation 4769399 (VCV004769399.1).

ClinVar aggregate classification (germline): Uncertain significance (1 of 4 stars; one submission).

Submission:

Labcorp Genetics (formerly Invitae), Labcorp
Classification: Uncertain significance. Last evaluated: 2025-05-21. Review status: criteria provided, single submitter. Criteria: Invitae Variant Classification Sherloc (09022015). Collection method: clinical testing. Allele origin: germline.
Comment: This sequence change creates a premature translational stop signal (p.Ser166Argfs*94) in the GPR45 gene. While this is not anticipated to result in nonsense mediated decay, it is expected to disrupt the last 207 amino acid(s) of the GPR45 protein. This variant is not present in population databases (gnomAD no frequency). This variant has not been reported in the literature in individuals affected with GPR45-related conditions. Experimental studies and prediction algorithms are not available or were not evaluated, and the functional significance of this variant is currently unknown. In summary, the available evidence is currently insufficient to determine the role of this variant in disease. Therefore, it has been classified as a Variant of Uncertain Significance.